The following is an entry in ClinVar:

ClinVar aggregate classification (germline): Conflicting classifications of pathogenicity. Review status: criteria provided, conflicting classifications (1 of 4 stars). 2 submissions from 2 submitters: Uncertain significance (1); Likely benign (1). Last evaluated 2025-10-26.

Conditions:
Blau syndrome (BLAUS). Also called: GRANULOMATOSIS, FAMILIAL JUVENILE SYSTEMIC; GRANULOMATOSIS, FAMILIAL, BLAU TYPE; GRANULOMATOUS INFLAMMATORY ARTHRITIS, DERMATITIS, AND UVEITIS, FAMILIAL; JABS SYNDROME; ARTHROCUTANEOUVEAL GRANULOMATOSIS. Identifiers: Orphanet 90340, MedGen C5201146, MONDO:0008523, OMIM 186580.
Regional enteritis. Also called: Enteritis, Granulomatous. Identifiers: MedGen C0678202, MeSH D003424.

Allele frequency attached by ClinVar (database versions not stated): ExAC 0.00002; TOPMed 0.00002; gnomAD 0.00003; gnomAD exomes 0.00003; ESP Exome Variant Server 0.00008.
gnomAD v4.1: 49 of 1,613,836 alleles (0.003%); highest among the groups gnomAD compares: Non-Finnish European, 0.0036%; 1 homozygote.

Submissions (2):

Labcorp Genetics (formerly Invitae), Labcorp
Classification: Uncertain significance for Regional enteritis; Blau syndrome. Last evaluated: 2025-10-26. Review status: criteria provided, single submitter. Criteria: Invitae Variant Classification Sherloc (09022015). Collection method: clinical testing. Allele origin: germline.
Comment: This sequence change affects a donor splice site in intron 5 of the NOD2 gene. It is expected to disrupt RNA splicing. Variants that disrupt the donor or acceptor splice site typically lead to a loss of protein function (PMID: 16199547), however the current clinical and genetic evidence is not sufficient to establish whether loss-of-function variants in NOD2 cause disease. This variant is present in population databases (rs373550987, gnomAD 0.01%), including at least one homozygous and/or hemizygous individual. This variant has not been reported in the literature in individuals affected with NOD2-related conditions. ClinVar contains an entry for this variant (Variation ID: 631749). Algorithms developed to predict the effect of sequence changes on RNA splicing suggest that this variant may disrupt the consensus splice site. In summary, the available evidence is currently insufficient to determine the role of this variant in disease. Therefore, it has been classified as a Variant of Uncertain Significance.

Illumina Laboratory Services, Illumina
Classification: Likely benign for Blau syndrome. Last evaluated: 2018-11-14. Review status: criteria provided, single submitter. Criteria: ICSL Variant Classification Criteria 13 December 2019. Collection method: clinical testing. Allele origin: germline.
Comment: This variant was observed in the ICSL laboratory as part of a predisposition screen in an ostensibly healthy population. It had not been previously curated by ICSL or reported in the Human Gene Mutation Database (HGMD: prior to June 1st, 2018), and was therefore a candidate for classification through an automated scoring system. Utilizing variant allele frequency, disease prevalence and penetrance estimates, and inheritance mode, an automated score was calculated to assess if this variant is too frequent to cause the disease. Based on the score and internal cut-off values, a variant classified as likely benign is not then subjected to further curation. The score for this variant resulted in a classification of likely benign for this disease.

Literature cited by the submitters: PubMed 16199547 (cited by Labcorp Genetics (formerly Invitae), Labcorp).

NM_001370466.1(NOD2):c.2465+1G>A

Gene: NOD2 (nucleotide binding oligomerization domain containing 2; plus strand). Cytogenetic location: 16q12.1.
Variant type: single nucleotide variant.
Coding change: c.2465+1G>A on transcript NM_001370466.1 (MANE Select); the canonical splice donor site of the intron after coding-DNA position 2465, G replaced by A.
Molecular consequence: splice donor variant.
Genome position (GRCh38, 1-based): chr16:50,716,671, G>A. VCF-style: chr16-50716671-G-A. GRCh37 (hg19) VCF-style: chr16-50750582-G-A.
Other names: c.2546+1G>A (NM_022162.3); c.2465+1G>A (NM_001293557.2).
Identifiers: ClinVar variation 631749 (VCV000631749.15), dbSNP rs373550987, ClinGen allele CA8051819.